The following is an entry in ClinVar:

ClinVar aggregate classification (germline): Uncertain significance (3 of 4 stars; one submission).

Conditions:
Open-angle glaucoma. Identifiers: MedGen C0017612, MONDO:0005338, HP:0012108.

Submission:

ClinGen Glaucoma Variant Curation Expert Panel
Classification: Uncertain significance for Open-angle glaucoma. Last evaluated: 2026-01-20. Review status: reviewed by expert panel. Criteria: ClinGen Glaucoma ACMG Specifications V2.0.0 Approved. Collection method: curation. Allele origin: germline. Inheritance: Autosomal dominant inheritance.
Comment: The c.1085del variant in MYOC is a deletion of a single nucleotide, predicted to encode a frameshift with consequent premature termination of the protein at codon 45 of the frameshift (p.Gly362GlufsTer45). This variant is predicted to involve ≥ 10% of the protein within the conserved olfactomedin domain, meeting PM4. PVS1 did not apply, as the disease mechanism for MYOC variants associated with primary open angle glaucoma is not loss-of-function. This variant was not found in any genetic ancestry group of gnomAD (v4.1.0), meeting the ≤ 0.0001 threshold set for PM2_Supporting in a genetic ancestry group of at least 10,000 alleles. There was no computational or functional evidence predicting a damaging or benign impact of this variant on MYOC function. 4 segregations in 1 family, with primary open angle glaucoma (POAG), have been reported (PMID: 19688280), which fulfilled PP1 (3-4 meioses). Only 1 proband with POAG had been reported (PMID: 19688280), not meeting the ≥ 2 probands threshold required to meet PS4_Supporting. In summary, this variant met the criteria to receive a score of 4 and to be classified as a variant of uncertain significance (uncertain significance classification range -1 to 5, adapted from PMID: 32720330) for primary open angle glaucoma based on the ACMG/AMP criteria met, as specified by the ClinGen Glaucoma VCEP (v2.0.0, 5 Dec 2024): PM4, PP1, PM2_Supporting

NM_000261.2(MYOC):c.1085del (p.Gly362fs)

Gene: MYOC (myocilin; minus strand). Cytogenetic location: 1q24.3.
Variant type: Deletion.
Coding change: c.1085del on transcript NM_000261.2 (MANE Select); coding-DNA position 1085, one base deleted (G; older notation c.1085delG).
Protein change: p.Gly362fs; shifts the reading frame from glycine 362.
Molecular consequence: frameshift variant.
Genome position (GRCh38, 1-based): chr1:171,636,355, C deleted on the plus strand (G on the coding strand, the reverse complement: MYOC is on the minus strand); the first of 2 consecutive C bases (chr1:171,636,355-171,636,356); deleting either gives the same sequence. VCF-style (leftmost placement, unchanged base first): chr1-171636354-TC-T. GRCh37 (hg19) VCF-style: chr1-171605494-TC-T.
Other names: NM_000261.2:c.1085del; short protein forms G362fs.
Identifiers: ClinVar variation 2575099 (VCV002575099.2), dbSNP rs2527839207, ClinGen allele CA2017997725.